The following is an entry in ClinVar:

NM_139057.4(ADAMTS17):c.2138-2A>G

Gene: ADAMTS17 (ADAM metallopeptidase with thrombospondin type 1 motif 17; minus strand). Cytogenetic location: 15q26.3.
Variant type: single nucleotide variant.
Coding change: c.2138-2A>G on transcript NM_139057.4 (MANE Select); the canonical splice acceptor site of the intron before coding-DNA position 2138, A replaced by G.
Molecular consequence: splice acceptor variant.
Genome position (GRCh38, 1-based): chr15:100,054,056, T>C on the plus strand (A>G on the coding strand, the complement: ADAMTS17 is on the minus strand). VCF-style: chr15-100054056-T-C. GRCh37 (hg19) VCF-style: chr15-100594261-T-C.
Identifiers: ClinVar variation 2779399 (VCV002779399.4), dbSNP rs2032358181, ClinGen allele CA393693980.

ClinVar aggregate classification (germline): Likely pathogenic (1 of 4 stars; one submission).

Allele frequency attached by ClinVar (database versions not stated): gnomAD exomes below 0.00001; TOPMed below 0.00001.
gnomAD v4.1: 1 of 1,614,114 alleles (0.000062%); highest among the groups gnomAD compares: Non-Finnish European, 0.000085%; no homozygotes.

Submissions (6):

Labcorp Genetics (formerly Invitae), Labcorp
Classification: Likely pathogenic. Last evaluated: 2023-06-28. Review status: criteria provided, single submitter. Criteria: Invitae Variant Classification Sherloc (09022015). Collection method: clinical testing. Allele origin: germline.
Comment: In summary, the currently available evidence indicates that the variant is pathogenic, but additional data are needed to prove that conclusively. Therefore, this variant has been classified as Likely Pathogenic. Algorithms developed to predict the effect of sequence changes on RNA splicing suggest that this variant may disrupt the consensus splice site. This variant has not been reported in the literature in individuals affected with ADAMTS17-related conditions. This variant is not present in population databases (gnomAD no frequency). This sequence change affects an acceptor splice site in intron 15 of the ADAMTS17 gene. It is expected to disrupt RNA splicing. Variants that disrupt the donor or acceptor splice site typically lead to a loss of protein function (PMID: 16199547), and loss-of-function variants in ADAMTS17 are known to be pathogenic (PMID: 19836009, 24940034).

Dr. Peter K. Rogan Lab, Western University
No classification provided (evidence only). Condition: Ovarian serous cystadenocarcinoma. Review status: no classification provided. Collection method: in vitro. Allele origin: not applicable. Functional consequence: retained intron. Not counted in ClinVar's aggregate classification.

Dr. Peter K. Rogan Lab, Western University
No classification provided (evidence only). Condition: Ovarian serous cystadenocarcinoma. Review status: no classification provided. Collection method: in vitro. Allele origin: not applicable. Functional consequence: retained intron. Not counted in ClinVar's aggregate classification.

Dr. Peter K. Rogan Lab, Western University
No classification provided (evidence only). Condition: Ovarian serous cystadenocarcinoma. Review status: no classification provided. Collection method: in vitro. Allele origin: not applicable. Functional consequence: retained intron. Not counted in ClinVar's aggregate classification.

Dr. Peter K. Rogan Lab, Western University
No classification provided (evidence only). Condition: Ovarian serous cystadenocarcinoma. Review status: no classification provided. Collection method: in vitro. Allele origin: not applicable. Functional consequence: retained intron. Not counted in ClinVar's aggregate classification.

Dr. Peter K. Rogan Lab, Western University
No classification provided (evidence only). Condition: Ovarian serous cystadenocarcinoma. Review status: no classification provided. Collection method: in vitro. Allele origin: not applicable. Functional consequence: retained intron. Not counted in ClinVar's aggregate classification.

Literature cited by the submitters: PubMed 16199547 (cited by Labcorp Genetics (formerly Invitae), Labcorp); PubMed 19836009 (cited by Labcorp Genetics (formerly Invitae), Labcorp); PubMed 24940034 (cited by Labcorp Genetics (formerly Invitae), Labcorp).